The following is an entry in ClinVar:

ClinVar aggregate classification (germline): Pathogenic. Review status: criteria provided, multiple submitters, no conflicts (2 of 4 stars). 3 submissions from 3 submitters: Pathogenic (2). 1 of the submissions does not count toward it. Last evaluated 2026-05-01.

Conditions:
Charcot-Marie-Tooth disease type 2. Also called: Charcot-Marie-Tooth type 2. Identifiers: Orphanet 64746, MedGen C0270914, MONDO:0018993.
Charcot-Marie-Tooth disease. Also called: Charcot-Marie-Tooth Hereditary Neuropathy; Charcot-Marie-Tooth Neuropathy. Identifiers: Orphanet 166, MedGen C0007959, MONDO:0015626.

Submissions (3):

CeGaT Center for Human Genetics Tuebingen
Classification: Pathogenic. Last evaluated: 2026-05-01. Review status: criteria provided, single submitter. Criteria: CeGaT Center For Human Genetics Tuebingen Variant Classification Criteria Version 2. Collection method: clinical testing. Allele origin: germline. Affected: yes. Observed: 1 variant allele.
Comment: MFN2: PVS1, PM2

Labcorp Genetics (formerly Invitae), Labcorp
Classification: Pathogenic for Charcot-Marie-Tooth disease type 2. Last evaluated: 2023-10-12. Review status: criteria provided, single submitter. Criteria: Invitae Variant Classification Sherloc (09022015). Collection method: clinical testing. Allele origin: germline.
Comment: This sequence change creates a premature translational stop signal (p.Gln591Argfs*57) in the MFN2 gene. It is expected to result in an absent or disrupted protein product. Loss-of-function variants in MFN2 are known to be pathogenic (PMID: 16714318, 16835246, 21715711, 23781337, 26955893). This variant is not present in population databases (gnomAD no frequency). This premature translational stop signal has been observed in individual(s) with clinical features of Charcot-Marie-Tooth disease (PMID: 25614874). ClinVar contains an entry for this variant (Variation ID: 637734). For these reasons, this variant has been classified as Pathogenic.

Inherited Neuropathy Consortium
Classification: Uncertain significance for Charcot-Marie-Tooth disease. Review status: no assertion criteria provided. Collection method: literature only. Allele origin: germline. Affected: yes. Not counted in ClinVar's aggregate classification.

Literature cited by the submitters: PubMed 16714318 (cited by Labcorp Genetics (formerly Invitae), Labcorp); PubMed 16835246 (cited by Labcorp Genetics (formerly Invitae), Labcorp); PubMed 21715711 (cited by Labcorp Genetics (formerly Invitae), Labcorp); PubMed 23781337 (cited by Labcorp Genetics (formerly Invitae), Labcorp); PubMed 26955893 (cited by Labcorp Genetics (formerly Invitae), Labcorp); PubMed 25614874 (cited by Labcorp Genetics (formerly Invitae), Labcorp and Inherited Neuropathy Consortium).

NM_014874.4(MFN2):c.1772_1773del (p.Gln591fs)

Gene: MFN2 (mitofusin 2; plus strand). Cytogenetic location: 1p36.22.
Variant type: Deletion.
Coding change: c.1772_1773del on transcript NM_014874.4 (MANE Select); coding-DNA positions 1772 to 1773, 2 bases deleted (AG; older notation c.1772_1773delAG).
Protein change: p.Gln591fs; shifts the reading frame from glutamine 591.
Molecular consequence: frameshift variant.
Genome position (GRCh38, 1-based): chr1:12,006,593-12,006,594, AG deleted. VCF-style (leftmost placement, unchanged base first): chr1-12006592-CAG-C. GRCh37 (hg19) VCF-style: chr1-12066649-CAG-C.
Other names: c.1772_1773del, p.Gln591fs (NM_001127660.2); c.1772_1773delAG (NM_014874.3); short protein forms Q591fs.
Identifiers: ClinVar variation 637734 (VCV000637734.6), dbSNP rs1569868729, ClinGen allele CA915941140.